The following is an entry in ClinVar:

NM_000233.4(LHCGR):c.610C>T (p.Leu204=)

Genes: LHCGR (luteinizing hormone/choriogonadotropin receptor; minus strand), STON1-GTF2A1L (STON1-GTF2A1L readthrough; plus strand). Cytogenetic location: 2p16.3.
Variant type: single nucleotide variant.
Coding change: c.610C>T on transcript NM_000233.4 (MANE Select); coding-DNA position 610, C replaced by T.
Protein change: p.Leu204=; no amino-acid change (leucine 204 retained).
Molecular consequence: synonymous variant. On other transcripts: intron variant (1).
Genome position (GRCh38, 1-based): chr2:48,709,018, G>A on the plus strand (C>T on the coding strand, the complement: LHCGR is on the minus strand). VCF-style: chr2-48709018-G-A. GRCh37 (hg19) VCF-style: chr2-48936157-G-A.
Other names: c.3441+37338G>A (NM_001198593.2).
Identifiers: ClinVar variation 336464 (VCV000336464.43), dbSNP rs61996322, ClinGen allele CA1653238.

ClinVar aggregate classification (germline): Benign/Likely benign. Review status: criteria provided, multiple submitters, no conflicts (2 of 4 stars). 7 submissions from 7 submitters: Benign (2); Likely benign (4). 1 of the submissions does not count toward it. Last evaluated 2026-01-14.

Conditions:
LHCGR-related disorder. Also called: LHCGR-related condition.
Gonadotropin-independent familial sexual precocity. Also called: TESTOTOXICOSIS, FAMILIAL; Familial male-limited precocious puberty. Identifiers: Orphanet 3000, MedGen C0342549, MONDO:0008303, OMIM 176410.

Allele frequency attached by ClinVar (database versions not stated): 1000 Genomes Project 0.00100; 1000 Genomes Project 30x 0.00109; ESP Exome Variant Server 0.00154; TOPMed 0.00167; ExAC 0.00459; gnomAD exomes 0.00515; gnomAD 0.01070.
gnomAD v4.1: 5,387 of 1,613,792 alleles (0.33%); highest among the groups gnomAD compares: Non-Finnish European, 0.26%; 52 homozygotes.

Submissions (7):

Labcorp Genetics (formerly Invitae), Labcorp
Classification: Benign. Last evaluated: 2026-01-14. Review status: criteria provided, single submitter. Criteria: Invitae Variant Classification Sherloc (09022015). Collection method: clinical testing. Allele origin: germline.

CeGaT Center for Human Genetics Tuebingen
Classification: Likely benign. Last evaluated: 2025-09-01. Review status: criteria provided, single submitter. Criteria: CeGaT Center For Human Genetics Tuebingen Variant Classification Criteria Version 2. Collection method: clinical testing. Allele origin: germline. Affected: yes. Observed: 2 variant alleles.
Comment: LHCGR: BP4, BP7, BS2

Women's Health and Genetics/Laboratory Corporation of America, LabCorp
Classification: Benign. Last evaluated: 2024-12-06. Review status: criteria provided, single submitter. Criteria: LabCorp Variant Classification Summary - May 2015. Collection method: clinical testing. Allele origin: germline.

Blueprint Genetics
Classification: Likely benign. Last evaluated: 2024-11-22. Review status: criteria provided, single submitter. Criteria: ACMG Guidelines, 2015. Collection method: clinical testing. Allele origin: germline.

GeneDx
Classification: Likely benign. Last evaluated: 2021-04-20. Review status: criteria provided, single submitter. Criteria: GeneDx Variant Classification Process June 2021. Collection method: clinical testing. Allele origin: germline. Affected: yes.

Illumina Laboratory Services, Illumina
Classification: Likely benign for Gonadotropin-independent familial sexual precocity. Last evaluated: 2017-04-27. Review status: criteria provided, single submitter. Criteria: ICSL Variant Classification Criteria 13 December 2019. Collection method: clinical testing. Allele origin: germline.
Comment: This variant was observed as part of a predisposition screen in an ostensibly healthy population. A literature search was performed for the gene, cDNA change, and amino acid change (where applicable). No publications were found based on this search. Allele frequency data from public databases allowed determination this variant is unlikely to cause disease. Therefore, this variant is classified as likely benign.

PreventionGenetics, part of Exact Sciences
Classification: Benign for LHCGR-related condition. Last evaluated: 2024-09-03. Review status: no assertion criteria provided. Collection method: clinical testing. Allele origin: germline. Not counted in ClinVar's aggregate classification.
Comment: This variant is classified as benign based on ACMG/AMP sequence variant interpretation guidelines (Richards et al. 2015 PMID: 25741868, with internal and published modifications).

Literature cited by the submitters: PubMed 11849253 (cited by Women's Health and Genetics/Laboratory Corporation of America, LabCorp).